The following is an entry in ClinVar:

NM_177438.3(DICER1):c.3751A>G (p.Thr1251Ala)

Gene: DICER1 (dicer 1, ribonuclease III; minus strand). Cytogenetic location: 14q32.13.
Variant type: single nucleotide variant.
Coding change: c.3751A>G on transcript NM_177438.3 (MANE Select); coding-DNA position 3751, A replaced by G.
Protein change: p.Thr1251Ala; replaces threonine 1251 with alanine.
Molecular consequence: missense variant.
Genome position (GRCh38, 1-based): chr14:95,103,645, T>C on the plus strand (A>G on the coding strand, the complement: DICER1 is on the minus strand). VCF-style: chr14-95103645-T-C. GRCh37 (hg19) VCF-style: chr14-95569982-T-C.
Other names: c.3751A>G, p.Thr1251Ala (NM_001195573.1, NM_001271282.3, NM_001291628.2 and 1 more transcripts); short protein forms T1251A.
Identifiers: ClinVar variation 941174 (VCV000941174.12), dbSNP rs1595365057, ClinGen allele CA390874181.
Genomic context (GRCh38, chr14:95,103,645, plus strand): 5'-GCACTTGAATAGTGTCTGTCGTACCAGGCATTACGGCCATCACAGGACTTCCATCTGAGG[T>C]AGATTTGTTAGCATTTCCATCAAGGTATTTATTACTCAGGAGAGTACATTCATCGCTGGG-3'
Protein context (NP_803187.1, residues 1241-1261): KYLDGNANKS[Thr1251Ala]SDGSPVMAVM

ClinVar aggregate classification (germline): Uncertain significance. Review status: criteria provided, multiple submitters, no conflicts (2 of 4 stars). 2 submissions from 2 submitters: Uncertain significance (2). Last evaluated 2025-04-20.

Conditions:
DICER1-related tumor predisposition. Also called: DICER1 syndrome; DICER1-related pleuropulmonary blastoma cancer predisposition syndrome. Identifiers: Orphanet 284343, MedGen C3839822, MONDO:0100216.
Hereditary cancer-predisposing syndrome. Also called: Tumor predisposition; Hereditary neoplastic syndrome; Neoplastic Syndromes, Hereditary; Hereditary Cancer Syndrome. Identifiers: Orphanet 140162, MedGen C0027672, MeSH D009386, MONDO:0015356.

Submissions (2):

Ambry Genetics
Classification: Uncertain significance for Hereditary cancer-predisposing syndrome. Last evaluated: 2025-04-20. Review status: criteria provided, single submitter. Criteria: Ambry Variant Classification Scheme 2023. Collection method: clinical testing. Allele origin: germline.
Comment: The p.T1251A variant (also known as c.3751A>G), located in coding exon 20 of the DICER1 gene, results from an A to G substitution at nucleotide position 3751. The threonine at codon 1251 is replaced by alanine, an amino acid with similar properties. This amino acid position is conserved. In addition, this alteration is predicted to be deleterious by in silico analysis. Based on the available evidence, the clinical significance of this variant remains unclear.

Labcorp Genetics (formerly Invitae), Labcorp
Classification: Uncertain significance for DICER1-related tumor predisposition. Last evaluated: 2024-08-07. Review status: criteria provided, single submitter. Criteria: Invitae Variant Classification Sherloc (09022015). Collection method: clinical testing. Allele origin: germline.
Comment: This sequence change replaces threonine, which is neutral and polar, with alanine, which is neutral and non-polar, at codon 1251 of the DICER1 protein (p.Thr1251Ala). This variant is not present in population databases (gnomAD no frequency). This variant has not been reported in the literature in individuals affected with DICER1-related conditions. ClinVar contains an entry for this variant (Variation ID: 941174). Advanced modeling of protein sequence and biophysical properties (such as structural, functional, and spatial information, amino acid conservation, physicochemical variation, residue mobility, and thermodynamic stability) performed at Invitae indicates that this missense variant is not expected to disrupt DICER1 protein function with a negative predictive value of 80%. In summary, the available evidence is currently insufficient to determine the role of this variant in disease. Therefore, it has been classified as a Variant of Uncertain Significance.